The following is an entry in ClinVar:

ClinVar aggregate classification (germline): Uncertain significance (1 of 4 stars; one submission).

Submission:

Labcorp Genetics (formerly Invitae), Labcorp
Classification: Uncertain significance. Last evaluated: 2023-11-13. Review status: criteria provided, single submitter. Criteria: Invitae Variant Classification Sherloc (09022015). Collection method: clinical testing. Allele origin: germline.
Comment: This sequence change replaces serine, which is neutral and polar, with arginine, which is basic and polar, at codon 1092 of the SETD5 protein (p.Ser1092Arg). This variant is not present in population databases (gnomAD no frequency). This variant has not been reported in the literature in individuals affected with SETD5-related conditions. Advanced modeling of protein sequence and biophysical properties (such as structural, functional, and spatial information, amino acid conservation, physicochemical variation, residue mobility, and thermodynamic stability) performed at Invitae indicates that this missense variant is not expected to disrupt SETD5 protein function with a negative predictive value of 80%. In summary, the available evidence is currently insufficient to determine the role of this variant in disease. Therefore, it has been classified as a Variant of Uncertain Significance.

NM_001080517.3(SETD5):c.3276C>G (p.Ser1092Arg)

Gene: SETD5 (SET domain containing 5; plus strand). Cytogenetic location: 3p25.3.
Variant type: single nucleotide variant.
Coding change: c.3276C>G on transcript NM_001080517.3 (MANE Select); coding-DNA position 3276, C replaced by G.
Protein change: p.Ser1092Arg; replaces serine 1092 with arginine.
Molecular consequence: missense variant.
Genome position (GRCh38, 1-based): chr3:9,473,316, C>G. VCF-style: chr3-9473316-C-G. GRCh37 (hg19) VCF-style: chr3-9515000-C-G.
Other names: c.2982C>G, p.Ser994Arg (NM_001292043.2, NM_001349451.2); short protein forms S1092R, S994R.
Identifiers: ClinVar variation 2783110 (VCV002783110.3), dbSNP rs748076124, ClinGen allele CA351685312.
Genomic context (GRCh38, chr3:9,473,316, plus strand): 5'-AAAACGGAAACAAGAAGCTAAGGAAAATTCTGCTGGTGGGGGAGGTGACTCTGCACAGAG[C>G]AAAAGCAAGTCTGCAGGAGCTGGGCAAGGCAGCAGTAACTCCGTTTCCGACACTGGTGCC-3'
Protein context (NP_001073986.1, residues 1082-1102): SAGGGGDSAQ[Ser1092Arg]KSKSAGAGQG